The following is an entry in ClinVar:

NM_181712.5(KANK4):c.740T>C (p.Leu247Pro)

Gene: KANK4 (KN motif and ankyrin repeat domains 4; minus strand). Cytogenetic location: 1p31.3.
Variant type: single nucleotide variant.
Coding change: c.740T>C on transcript NM_181712.5 (MANE Select); coding-DNA position 740, T replaced by C.
Protein change: p.Leu247Pro; replaces leucine 247 with proline.
Molecular consequence: missense variant. On other transcripts: intron variant (1).
Genome position (GRCh38, 1-based): chr1:62,274,364, A>G on the plus strand (T>C on the coding strand, the complement: KANK4 is on the minus strand). VCF-style: chr1-62274364-A-G. GRCh37 (hg19) VCF-style: chr1-62740036-A-G.
Other names: c.17-2775T>C (NM_001320269.2); short protein forms L247P.
Identifiers: ClinVar variation 4692781 (VCV004692781.1).
Genomic context (GRCh38, chr1:62,274,364, plus strand): 5'-TCATCTTCCTTGTCCTCTAGAACTACAAGCACATTCTGGAATGAGAAAGGAGGGCCTGGG[A>G]GAGGGAGGTGATTTGGAACCTTCACCACACCCTCTGGAGGCTCAGCTCCCTCCTGGACCA-3'
Protein context (NP_859063.3, residues 237-257): GVVKVPNHLP[Leu247Pro]PGPPFSFQNV

ClinVar aggregate classification (germline): Uncertain significance (1 of 4 stars; one submission).

gnomAD v4.1: 5 of 1,614,030 alleles (0.00031%); highest among the groups gnomAD compares: Middle Eastern, 0.033%; no homozygotes.

Submission:

Labcorp Genetics (formerly Invitae), Labcorp
Classification: Uncertain significance. Last evaluated: 2025-02-06. Review status: criteria provided, single submitter. Criteria: Invitae Variant Classification Sherloc (09022015). Collection method: clinical testing. Allele origin: germline.
Comment: This sequence change replaces leucine, which is neutral and non-polar, with proline, which is neutral and non-polar, at codon 247 of the KANK4 protein (p.Leu247Pro). This variant is not present in population databases (gnomAD no frequency). This variant has not been reported in the literature in individuals affected with KANK4-related conditions. An algorithm developed to predict the effect of missense changes on protein structure and function outputs the following: PolyPhen-2: "Benign". The proline amino acid residue is found in multiple mammalian species, which suggests that this missense change does not adversely affect protein function. In summary, the available evidence is currently insufficient to determine the role of this variant in disease. Therefore, it has been classified as a Variant of Uncertain Significance.